The following is an entry in ClinVar:

NM_000051.4(ATM):c.8678C>A (p.Ala2893Asp)

Genes: ATM (ATM serine/threonine kinase; plus strand), C11orf65 (chromosome 11 open reading frame 65; minus strand). Cytogenetic location: 11q22.3.
Variant type: single nucleotide variant.
Coding change: c.8678C>A on transcript NM_000051.4 (MANE Select); coding-DNA position 8678, C replaced by A.
Protein change: p.Ala2893Asp; replaces alanine 2893 with aspartic acid.
Molecular consequence: missense variant. On other transcripts: intron variant (2).
Genome position (GRCh38, 1-based): chr11:108,353,772, C>A. VCF-style: chr11-108353772-C-A. GRCh37 (hg19) VCF-style: chr11-108224499-C-A.
Other names: NM_000051.4(ATM):c.8678C>A; p.Ala2893Asp; c.8678C>A, p.Ala2893Asp (NM_001351834.2); c.640+32148G>T (NM_001330368.2); c.695-18480G>T (NM_001351110.2); short protein forms A2893D.
Identifiers: ClinVar variation 1422249 (VCV001422249.9), dbSNP rs2089493277, ClinGen allele CA382523477.

ClinVar aggregate classification (germline): Uncertain significance. Review status: reviewed by expert panel (3 of 4 stars). 3 submissions from 3 submitters: Uncertain significance (1). 2 of the submissions do not count toward it. Last evaluated 2024-11-26.

Conditions:
ATM-related cancer predisposition. Also called: ATM-related cancer susceptibility. Identifiers: MedGen CN377759, MONDO:0700270.
Familial cancer of breast. Also called: BREAST CANCER, FAMILIAL; Hereditary breast cancer; hereditary breast carcinoma. Identifiers: Orphanet 227535, MedGen C0346153, MONDO:0016419, OMIM 114480. Disease mechanism: loss of function.
Ataxia-telangiectasia syndrome (AT). Also called: Ataxia-telangiectasia; LOUIS-BAR SYNDROME; Ataxia-telangiectasia, complementation group D; AT, COMPLEMENTATION GROUP C; ATAXIA-TELANGIECTASIA, COMPLEMENTATION GROUP A; ATAXIA-TELANGIECTASIA, FRESNO VARIANT. Identifiers: Orphanet 100, MedGen C0004135, MONDO:0008840, OMIM 208900.

Submissions (3):

ClinGen Hereditary Breast, Ovarian and Pancreatic Cancer Variant Curation Expert Panel, ClinGen
Classification: Uncertain significance for ATM-related cancer predisposition. Last evaluated: 2024-11-26. Review status: reviewed by expert panel. Criteria: ClinGen HBOP ACMG Specifications ATM V1.3.0. Collection method: curation. Allele origin: germline. Inheritance: Autosomal dominant inheritance.
Comment: The c.8678C>A variant in ATM is a missense variant predicted to cause substitution of alanine by aspartic acid at amino acid 2893 (p.Ala2893Asp). This variant has been detected in at least 1 individual with Ataxia-Telangiectasia (PMID: 26896183). This variant is absent from gnomAD v.2.1.1. The computational predictor REVEL gives a score of 0.901, which is above the threshold of 0.733, evidence that correlates with impact to ATM function. In summary, this variant meets the criteria to be classified as a variant of uncertain significance for autosomal dominant ATM-related cancer predisposition and autosomal recessive Ataxia-Telangiectasia based on the ACMG/AMP criteria applied, as specified by the HBOP VCEP. (PM3, PM2_Supporting, PP3)

Myriad Genetics, Inc.
Classification: Likely pathogenic for Familial cancer of breast. Last evaluated: 2026-06-24. Review status: criteria provided, single submitter. Criteria: Myriad Autosomal Dominant, Autosomal Recessive and X-Linked Classification Criteria (2023). Collection method: clinical testing. Allele origin: unknown. Not counted in ClinVar's aggregate classification.
Comment: This variant is considered likely pathogenic. This variant has been reported in multiple individuals with clinical features of gene-specific disease [PMID: 26896183]. This variant is expected to disrupt protein structure [Myriad internal data]. Functional studies indicate this variant impacts protein function [PMID: 40580951].

Labcorp Genetics (formerly Invitae), Labcorp
Classification: Uncertain significance for Ataxia-telangiectasia syndrome. Last evaluated: 2022-08-18. Review status: criteria provided, single submitter. Criteria: Invitae Variant Classification Sherloc (09022015). Collection method: clinical testing. Allele origin: germline. Not counted in ClinVar's aggregate classification.
Comment: This sequence change replaces alanine, which is neutral and non-polar, with aspartic acid, which is acidic and polar, at codon 2893 of the ATM protein (p.Ala2893Asp). This variant is not present in population databases (gnomAD no frequency). This missense change has been observed in individual(s) with ataxia telangiectasia (PMID: 26896183). ClinVar contains an entry for this variant (Variation ID: 1422249). Advanced modeling of protein sequence and biophysical properties (such as structural, functional, and spatial information, amino acid conservation, physicochemical variation, residue mobility, and thermodynamic stability) performed at Invitae indicates that this missense variant is expected to disrupt ATM protein function. In summary, the available evidence is currently insufficient to determine the role of this variant in disease. Therefore, it has been classified as a Variant of Uncertain Significance.

Literature cited by the submitters: PubMed 26896183 (cited by Myriad Genetics, Inc. and Labcorp Genetics (formerly Invitae), Labcorp); PubMed 40580951 (cited by Myriad Genetics, Inc.).